The following is an entry in ClinVar:

NM_000038.6(APC):c.8501A>C (p.His2834Pro)

Gene: APC (APC regulator of Wnt signaling pathway; plus strand). Cytogenetic location: 5q22.2.
Variant type: single nucleotide variant.
Coding change: c.8501A>C on transcript NM_000038.6 (MANE Select); coding-DNA position 8501, A replaced by C.
Protein change: p.His2834Pro; replaces histidine 2834 with proline.
Molecular consequence: missense variant.
Genome position (GRCh38, 1-based): chr5:112,844,095, A>C. VCF-style: chr5-112844095-A-C. GRCh37 (hg19) VCF-style: chr5-112179792-A-C.
Other names: c.8501A>C, p.His2834Pro (NM_001127510.3, NM_001354895.2); c.8447A>C, p.His2816Pro (NM_001127511.3); c.8555A>C, p.His2852Pro (NM_001354896.2); c.8531A>C, p.His2844Pro (NM_001354897.2); c.8426A>C, p.His2809Pro (NM_001354898.2); c.8417A>C, p.His2806Pro (NM_001354899.2); c.8378A>C, p.His2793Pro (NM_001354900.2); c.8324A>C, p.His2775Pro (NM_001354901.2); and 5 more; short protein forms H2816P, H2834P, H2674P, H2743P, H2775P, H2793P, H2809P, H2844P.
Identifiers: ClinVar variation 587354 (VCV000587354.5), dbSNP rs1561623862, ClinGen allele CA16039771.

ClinVar aggregate classification (germline): Uncertain significance. Review status: criteria provided, single submitter (1 of 4 stars). 2 submissions from 2 submitters: Uncertain significance (1). 1 of the submissions does not count toward it. Last evaluated 2020-01-17.

Conditions:
Hereditary cancer-predisposing syndrome. Also called: Tumor predisposition; Neoplastic Syndromes, Hereditary; Hereditary neoplastic syndrome; Hereditary Cancer Syndrome. Identifiers: Orphanet 140162, MedGen C0027672, MeSH D009386, MONDO:0015356.
Familial adenomatous polyposis 1 (FAP1). Also called: FAMILIAL ADENOMATOUS POLYPOSIS 1, ATTENUATED; POLYPOSIS, ADENOMATOUS INTESTINAL. Identifiers: MedGen C2713442, MONDO:0021056, OMIM 175100. Disease mechanism: loss of function.

Submissions (2):

Color Diagnostics, LLC DBA Color Health
Classification: Uncertain significance for Hereditary cancer-predisposing syndrome. Last evaluated: 2020-01-17. Review status: criteria provided, single submitter. Criteria: ACMG Guidelines, 2015. Collection method: clinical testing. Allele origin: germline.
Comment: This missense variant replaces histidine with proline at codon 2834 of the APC protein. Computational prediction tool is inconclusive regarding the impact of this variant on protein structure and function (internally defined REVEL score threshold 0.5 < inconclusive < 0.7, PMID: 27666373). Splice site prediction tools suggest that this variant may not impact RNA splicing. To our knowledge, functional studies have not been performed for this variant. This variant has not been reported in individuals affected with hereditary cancer in the literature. This variant has not been identified in the general population by the Genome Aggregation Database (gnomAD). The available evidence is insufficient to determine the role of this variant in disease conclusively. Therefore, this variant is classified as a Variant of Uncertain Significance.

Molecular Oncology Laboratory, Hospital Clínico San Carlos
Classification: Uncertain significance for Familial adenomatous polyposis 1. Last evaluated: 2018-06-01. Review status: no assertion criteria provided. Criteria: ACMG Guidelines, 2015. Collection method: clinical testing. Allele origin: germline. Inheritance: Autosomal dominant inheritance. Affected: yes. Not counted in ClinVar's aggregate classification.